The following is an entry in ClinVar:

NM_016373.4(WWOX):c.1203C>G (p.Ser401Arg)

Genes: MAF (MAF bZIP transcription factor; minus strand), WWOX (WW domain containing oxidoreductase; plus strand). Cytogenetic location: 16q23.2.
Variant type: single nucleotide variant.
Coding change: c.1203C>G on transcript NM_016373.4 (MANE Select); coding-DNA position 1203, C replaced by G.
Protein change: p.Ser401Arg; replaces serine 401 with arginine.
Molecular consequence: missense variant.
Genome position (GRCh38, 1-based): chr16:79,211,754, C>G. VCF-style: chr16-79211754-C-G. GRCh37 (hg19) VCF-style: chr16-79245651-C-G.
Other names: c.864C>G, p.Ser288Arg (NM_001291997.2); short protein forms S288R, S401R.
Identifiers: ClinVar variation 2164882 (VCV002164882.1), dbSNP rs201428060, ClinGen allele CA8183791.

ClinVar aggregate classification (germline): Uncertain significance (1 of 4 stars; one submission).

Conditions:
Developmental and epileptic encephalopathy, 1 (DEE1). Also called: OHTAHARA SYNDROME, X-LINKED; X-linked infantile spasms; West's syndrome; Tonic spasms with clustering, arrest of psychomotor development and hypsarrhythmia on EEG; X-Linked Infantile Spasm Syndrome; Epileptic encephalopathy, early infantile, 1. Identifiers: MedGen C3463992, MONDO:0010632, OMIM 308350. Disease mechanism: loss of function.
Autosomal recessive spinocerebellar ataxia 12. Also called: SPINOCEREBELLAR ATAXIA WITH MENTAL RETARDATION AND EPILEPSY. Identifiers: Orphanet 284282, MedGen C3280452, MONDO:0013687, OMIM 614322.

gnomAD v4.1: 6 of 1,614,178 alleles (0.00037%); highest among the groups gnomAD compares: African/African-American, 0.0013%; no homozygotes.

Submission:

Labcorp Genetics (formerly Invitae), Labcorp
Classification: Uncertain significance for Developmental and epileptic encephalopathy, 1; Autosomal recessive spinocerebellar ataxia 12. Last evaluated: 2022-03-13. Review status: criteria provided, single submitter. Criteria: Invitae Variant Classification Sherloc (09022015). Collection method: clinical testing. Allele origin: germline.
Comment: This sequence change replaces serine, which is neutral and polar, with arginine, which is basic and polar, at codon 401 of the WWOX protein (p.Ser401Arg). This variant is present in population databases (rs201428060, gnomAD 0.007%). This variant has not been reported in the literature in individuals affected with WWOX-related conditions. Algorithms developed to predict the effect of missense changes on protein structure and function are either unavailable or do not agree on the potential impact of this missense change (SIFT: "Not Available"; PolyPhen-2: "Probably Damaging"; Align-GVGD: "Not Available"). In summary, the available evidence is currently insufficient to determine the role of this variant in disease. Therefore, it has been classified as a Variant of Uncertain Significance.